The following is an entry in ClinVar:

NM_152564.5(VPS13B):c.1736T>C (p.Ile579Thr)

Gene: VPS13B (vacuolar protein sorting 13 homolog B; plus strand). Cytogenetic location: 8q22.2.
Variant type: single nucleotide variant.
Coding change: c.1736T>C on transcript NM_152564.5 (MANE Select); coding-DNA position 1736, T replaced by C.
Protein change: p.Ile579Thr; replaces isoleucine 579 with threonine.
Molecular consequence: missense variant.
Genome position (GRCh38, 1-based): chr8:99,143,058, T>C. VCF-style: chr8-99143058-T-C. GRCh37 (hg19) VCF-style: chr8-100155286-T-C.
Other names: c.1736T>C, p.Ile579Thr (NM_015243.3, NM_017890.5); short protein forms I579T.
Identifiers: ClinVar variation 4808464 (VCV004808464.1).

ClinVar aggregate classification (germline): Uncertain significance (1 of 4 stars; one submission).

Conditions:
Cohen syndrome (COH1). Also called: Cutis verticis gyrata, retinitis pigmentosa, and sensorineural deafness; PEPPER SYNDROME. Identifiers: Orphanet 193, MedGen C0265223, MONDO:0008999, OMIM 216550.

gnomAD v4.1: 5 of 1,614,058 alleles (0.00031%); highest among the groups gnomAD compares: South Asian, 0.0055%; no homozygotes.

Submission:

Labcorp Genetics (formerly Invitae), Labcorp
Classification: Uncertain significance for Cohen syndrome. Last evaluated: 2026-01-17. Review status: criteria provided, single submitter. Criteria: Invitae Variant Classification Sherloc (09022015). Collection method: clinical testing. Allele origin: germline.
Comment: This sequence change replaces isoleucine, which is neutral and non-polar, with threonine, which is neutral and polar, at codon 579 of the VPS13B protein (p.Ile579Thr). This variant is present in population databases (no rsID available, gnomAD 0.01%). This variant has not been reported in the literature in individuals affected with VPS13B-related conditions. Invitae Evidence Modeling of protein sequence and biophysical properties (such as structural, functional, and spatial information, amino acid conservation, physicochemical variation, residue mobility, and thermodynamic stability) indicates that this missense variant is not expected to disrupt VPS13B protein function with a negative predictive value of 80%. In summary, the available evidence is currently insufficient to determine the role of this variant in disease. Therefore, it has been classified as a Variant of Uncertain Significance.